The following is an entry in ClinVar:

ClinVar aggregate classification (germline): Uncertain significance. Review status: criteria provided, multiple submitters, no conflicts (2 of 4 stars). 2 submissions from 2 submitters: Uncertain significance (2). Last evaluated 2025-10-02.

Conditions:
Congenital myasthenic syndrome 9. Also called: Myasthenic syndrome, congenital, 9, associated with acetylcholine receptor deficiency. Identifiers: Orphanet 590, MedGen C4225368, MONDO:0014587, OMIM 616325.
Fetal akinesia deformation sequence 1 (FADS1). Also called: Pena-Shokeir syndrome type I; Fetal akinesia sequence. Identifiers: Orphanet 994, MedGen C1276035, MONDO:0100101, OMIM 208150, HP:0001989.

Allele frequency attached by ClinVar (database versions not stated): ExAC 0.00001; gnomAD 0.00001; gnomAD exomes 0.00001.

Submissions (2):

Labcorp Genetics (formerly Invitae), Labcorp
Classification: Uncertain significance for Congenital myasthenic syndrome 9; Fetal akinesia deformation sequence 1. Last evaluated: 2025-10-02. Review status: criteria provided, single submitter. Criteria: Invitae Variant Classification Sherloc (09022015). Collection method: clinical testing. Allele origin: germline.
Comment: This sequence change replaces proline, which is neutral and non-polar, with serine, which is neutral and polar, at codon 368 of the MUSK protein (p.Pro368Ser). This variant is not present in population databases (gnomAD no frequency). This variant has not been reported in the literature in individuals affected with MUSK-related conditions. ClinVar contains an entry for this variant (Variation ID: 364606). Invitae Evidence Modeling of protein sequence and biophysical properties (such as structural, functional, and spatial information, amino acid conservation, physicochemical variation, residue mobility, and thermodynamic stability) indicates that this missense variant is not expected to disrupt MUSK protein function with a negative predictive value of 80%. In summary, the available evidence is currently insufficient to determine the role of this variant in disease. Therefore, it has been classified as a Variant of Uncertain Significance.

Illumina Laboratory Services, Illumina
Classification: Uncertain significance for Congenital myasthenic syndrome 9. Last evaluated: 2018-01-13. Review status: criteria provided, single submitter. Criteria: ICSL Variant Classification Criteria 13 December 2019. Collection method: clinical testing. Allele origin: germline.

NM_005592.4(MUSK):c.1102C>T (p.Pro368Ser)

Gene: MUSK (muscle associated receptor tyrosine kinase; plus strand). Cytogenetic location: 9q31.3.
Variant type: single nucleotide variant.
Coding change: c.1102C>T on transcript NM_005592.4 (MANE Select); coding-DNA position 1102, C replaced by T.
Protein change: p.Pro368Ser; replaces proline 368 with serine.
Molecular consequence: missense variant. On other transcripts: 5 prime UTR variant (1), intron variant (2).
Genome position (GRCh38, 1-based): chr9:110,768,001, C>T. VCF-style: chr9-110768001-C-T. GRCh37 (hg19) VCF-style: chr9-113530281-C-T.
Other names: c.-135C>T (NM_001369398.1); c.950+5793C>T (NM_001166280.2); c.920+5793C>T (NM_001166281.2); short protein forms P368S.
Identifiers: ClinVar variation 364606 (VCV000364606.10), dbSNP rs768323977, ClinGen allele CA5184274.
Genomic context (GRCh38, chr9:110,768,001, plus strand): 5'-CAAGAGCTACTGGTCCACACGGCCTGGAATGAACTGAAAGTAGTGAGCCCAGTCTGCCGG[C>T]CAGCTGCTGAGGCTTTGTTGTGTAACCACATCTTCCAGGAGTGCAGTCCTGGAGTAGTGC-3'
Protein context (NP_005583.1, residues 358-378): ELKVVSPVCR[Pro368Ser]AAEALLCNHI